The following is an entry in ClinVar:

ClinVar aggregate classification (germline): Uncertain significance. Review status: criteria provided, multiple submitters, no conflicts (2 of 4 stars). 2 submissions from 2 submitters: Uncertain significance (2). Last evaluated 2022-08-15.

Allele frequency attached by ClinVar (database versions not stated): ExAC 0.00001; gnomAD exomes 0.00001.
gnomAD v4.1: 15 of 1,580,904 alleles (0.00095%); highest among the groups gnomAD compares: Middle Eastern, 0.017%; no homozygotes.

Submissions (2):

Labcorp Genetics (formerly Invitae), Labcorp
Classification: Uncertain significance. Last evaluated: 2022-08-15. Review status: criteria provided, single submitter. Criteria: Invitae Variant Classification Sherloc (09022015). Collection method: clinical testing. Allele origin: germline.
Comment: This sequence change falls in intron 67 of the ADGRV1 gene. It does not directly change the encoded amino acid sequence of the ADGRV1 protein. It affects a nucleotide within the consensus splice site. This variant is present in population databases (rs781455871, gnomAD 0.007%). This variant has not been reported in the literature in individuals affected with ADGRV1-related conditions. ClinVar contains an entry for this variant (Variation ID: 1298997). Variants that disrupt the consensus splice site are a relatively common cause of aberrant splicing (PMID: 17576681, 9536098). Algorithms developed to predict the effect of sequence changes on RNA splicing suggest that this variant is not likely to affect RNA splicing. In summary, the available evidence is currently insufficient to determine the role of this variant in disease. Therefore, it has been classified as a Variant of Uncertain Significance.

CeGaT Center for Human Genetics Tuebingen
Classification: Uncertain significance. Last evaluated: 2021-07-01. Review status: criteria provided, single submitter. Criteria: CeGaT Center For Human Genetics Tuebingen Variant Classification Criteria Version 2. Collection method: clinical testing. Allele origin: germline. Affected: yes. Observed: 1 variant allele.

Literature cited by the submitters: PubMed 17576681 (cited by Labcorp Genetics (formerly Invitae), Labcorp); PubMed 9536098 (cited by Labcorp Genetics (formerly Invitae), Labcorp).

NM_032119.4(ADGRV1):c.13653+6T>C

Gene: ADGRV1 (adhesion G protein-coupled receptor V1; plus strand). Cytogenetic location: 5q14.3.
Variant type: single nucleotide variant.
Coding change: c.13653+6T>C on transcript NM_032119.4 (MANE Select); 6 bases into the intron after coding-DNA position 13653, T replaced by C.
Molecular consequence: intron variant.
Genome position (GRCh38, 1-based): chr5:90,784,063, T>C. VCF-style: chr5-90784063-T-C. GRCh37 (hg19) VCF-style: chr5-90079880-T-C.
Identifiers: ClinVar variation 1298997 (VCV001298997.37), dbSNP rs781455871, ClinGen allele CA3341571.